The following is an entry in ClinVar:

ClinVar aggregate classification (germline): Benign/Likely benign. Review status: criteria provided, multiple submitters, no conflicts (2 of 4 stars). 7 submissions from 6 submitters: Benign (4); Likely benign (2). 1 of the submissions does not count toward it. Last evaluated 2026-02-02.

Conditions:
Lethal congenital contractural syndrome Finnish type.
Lethal arthrogryposis-anterior horn cell disease syndrome (CAAHD). Also called: CONGENITAL ARTHROGRYPOSIS WITH ANTERIOR HORN CELL DISEASE. Identifiers: Orphanet 53696, MedGen C5193016, MONDO:0012750, OMIM 611890.
Lethal congenital contracture syndrome 1 (LCCS1). Also called: MULTIPLE CONTRACTURE SYNDROME, FINNISH TYPE. Identifiers: Orphanet 1486, MedGen C1854664, MONDO:0009670, OMIM 253310.

Allele frequency attached by ClinVar (database versions not stated): 1000 Genomes Project 30x 0.00468; ESP Exome Variant Server 0.00769; gnomAD 0.01157 and 0.01201; gnomAD exomes 0.01359; 1000 Genomes Project 0.00499; TOPMed 0.00829; ExAC 0.01299.
gnomAD v4.1: 18,826 of 1,613,958 alleles (1.2%); highest among the groups gnomAD compares: Admixed American, 1.5%; 184 homozygotes.

Submissions (7):

Labcorp Genetics (formerly Invitae), Labcorp
Classification: Benign. Last evaluated: 2026-02-02. Review status: criteria provided, single submitter. Criteria: Invitae Variant Classification Sherloc (09022015). Collection method: clinical testing. Allele origin: germline.

GeneDx
Classification: Likely benign. Last evaluated: 2021-11-24. Review status: criteria provided, single submitter. Criteria: GeneDx Variant Classification Process June 2021. Collection method: clinical testing. Allele origin: germline. Affected: yes.

Illumina Laboratory Services, Illumina
Classification: Benign for Lethal arthrogryposis-anterior horn cell disease syndrome. Last evaluated: 2018-01-13. Review status: criteria provided, single submitter. Criteria: ICSL Variant Classification Criteria 13 December 2019. Collection method: clinical testing. Allele origin: germline.
Comment: This variant was observed in the ICSL laboratory as part of a predisposition screen in an ostensibly healthy population. It had not been previously curated by ICSL or reported in the Human Gene Mutation Database (HGMD: prior to June 1st, 2018), and was therefore a candidate for classification through an automated scoring system. Utilizing variant allele frequency, disease prevalence and penetrance estimates, and inheritance mode, an automated score was calculated to assess if this variant is too frequent to cause the disease. Based on the score and internal cut-off values, a variant classified as benign is not then subjected to further curation. The score for this variant resulted in a classification of benign for this disease.

Illumina Laboratory Services, Illumina
Classification: Benign for Lethal congenital contracture syndrome 1. Last evaluated: 2018-01-13. Review status: criteria provided, single submitter. Criteria: ICSL Variant Classification Criteria 13 December 2019. Collection method: clinical testing. Allele origin: germline.
Comment: the same text as in the submission from Illumina Laboratory Services, Illumina above.

Breakthrough Genomics
Classification: Likely benign. Review status: criteria provided, single submitter. Criteria: ACMG Guidelines, 2015. Collection method: not provided. Allele origin: germline. Inheritance: Autosomal recessive inheritance. Affected: yes.

PreventionGenetics, part of Exact Sciences
Classification: Benign. Review status: criteria provided, single submitter. Criteria: ACMG Guidelines, 2015. Collection method: clinical testing. Allele origin: germline.

Natera, Inc.
Classification: Benign for Lethal congenital contractural syndrome Finnish type. Last evaluated: 2019-12-09. Review status: no assertion criteria provided. Collection method: clinical testing. Allele origin: germline. Not counted in ClinVar's aggregate classification.

NM_001003722.2(GLE1):c.1000G>A (p.Glu334Lys)

Gene: GLE1 (GLE1 RNA export mediator; plus strand). Cytogenetic location: 9q34.11.
Variant type: single nucleotide variant.
Coding change: c.1000G>A on transcript NM_001003722.2 (MANE Select); coding-DNA position 1000, G replaced by A.
Protein change: p.Glu334Lys; replaces glutamic acid 334 with lysine.
Molecular consequence: missense variant.
Genome position (GRCh38, 1-based): chr9:128,525,294, G>A. VCF-style: chr9-128525294-G-A. GRCh37 (hg19) VCF-style: chr9-131287573-G-A.
Other names: c.1000G>A, p.Glu334Lys (NM_001499.2); short protein forms E334K.
Identifiers: ClinVar variation 256855 (VCV000256855.23), dbSNP rs138310419, ClinGen allele CA5263754.